The following is an entry in ClinVar:

NC_012920.1(MT-TW):m.5544T>C

Gene: MT-TW (mitochondrially encoded tRNA tryptophan; plus strand).
Variant type: single nucleotide variant.
Genome position: chrM-5544-T-C.
Identifiers: ClinVar variation 689936 (VCV000689936.1), dbSNP rs1603220018, ClinGen allele CA913179811.

ClinVar aggregate classification (germline): Uncertain significance (1 of 4 stars; one submission).

Conditions:
MELAS syndrome (MELAS). Also called: Juvenile myopathy, encephalopathy, lactic acidosis, stroke. Identifiers: Orphanet 550, MedGen C0162671, MONDO:0010789, OMIM 540000.

Submission:

Wong Mito Lab, Molecular and Human Genetics, Baylor College of Medicine
Classification: Uncertain significance for MELAS syndrome. Last evaluated: 2019-07-12. Review status: criteria provided, single submitter. Criteria: Modified ACMG Guidelines (Unpublished). Collection method: clinical testing. Allele origin: germline.
Comment: The NC_012920.1:m.5544T>C variant in MT-TW gene is interpreted to be a Unknown Significance variant based on the modified ACMG guidelines (unpublished). This variant meets the following evidence codes reported in the guidelines: PP3, PP7

Literature cited by the submitters: PubMed 31965079.